The following is an entry in ClinVar:

NM_000535.7(PMS2):c.686_687del (p.Ser229fs)

Gene: PMS2 (PMS1 homolog 2, mismatch repair system component; minus strand). Cytogenetic location: 7p22.1.
Variant type: Microsatellite.
Coding change: c.686_687del on transcript NM_000535.7 (MANE Select); coding-DNA positions 686 to 687, 2 bases deleted (CT; older notation c.686_687delCT).
Protein change: p.Ser229fs; shifts the reading frame from serine 229.
Molecular consequence: frameshift variant. On other transcripts: 5 prime UTR variant (2), non-coding transcript variant (1), intron variant (1).
Genome position (GRCh38, 1-based): chr7:5,999,126-5,999,127, AG deleted on the plus strand (CT on the coding strand, the reverse complement: PMS2 is on the minus strand); deleting any 2 consecutive bases within chr7:5,999,126-5,999,129 gives the same sequence; the c. name uses the placement nearest the transcript's 3' end. VCF-style (leftmost placement, unchanged base first): chr7-5999125-CAG-C. GRCh37 (hg19) VCF-style: chr7-6038756-CAG-C.
Other names: c.686_687del (NM_000535.5, NM_000535.6); c.281_282del, p.Ser94fs (NM_001322003.2, NM_001322004.2, NM_001322005.2 and 2 more transcripts); c.686_687del, p.Ser229fs (NM_001322006.2, NM_001322014.2); c.368_369del, p.Ser123fs (NM_001322007.2, NM_001322008.2); c.-250CT[1] (NM_001322011.2, NM_001322012.2); c.377_378del, p.Ser126fs (NM_001322015.2); c.133-1704_133-1703del (NM_001322013.2); short protein forms S123fs, S126fs, S229fs, S94fs.
Identifiers: ClinVar variation 411063 (VCV000411063.15), dbSNP rs746766787, ClinGen allele CA050907.

ClinVar aggregate classification (germline): Pathogenic. Review status: criteria provided, multiple submitters, no conflicts (2 of 4 stars). 3 submissions from 3 submitters: Pathogenic (3). Last evaluated 2025-12-11.

Conditions:
Hereditary cancer-predisposing syndrome. Also called: Tumor predisposition; Hereditary Cancer Syndrome; Hereditary neoplastic syndrome; Neoplastic Syndromes, Hereditary. Identifiers: Orphanet 140162, MedGen C0027672, MeSH D009386, MONDO:0015356.
Hereditary nonpolyposis colorectal neoplasms. Identifiers: MedGen C0009405, MeSH D003123.

Submissions (3):

Ambry Genetics
Classification: Pathogenic for Hereditary cancer-predisposing syndrome. Last evaluated: 2025-12-11. Review status: criteria provided, single submitter. Criteria: Ambry Variant Classification Scheme 2023. Collection method: clinical testing. Allele origin: germline.
Comment: The c.686_687delCT pathogenic mutation, located in coding exon 6 of the PMS2 gene, results from a deletion of two nucleotides at nucleotide positions 686 to 687, causing a translational frameshift with a predicted alternate stop codon (p.S229Cfs*19). This alteration was identified in an individual diagnosed with Lynch syndrome (Goldberg Y et al. Clin Genet, 2015 Jun;87:549-53). This alteration was also identified as homozygous in an individual diagnosed with neurofibromatosis type 1-like features, anaplastic astrocytoma and colon polyps (Baris HN et al. Pediatr Blood Cancer, 2016 Mar;63:418-27). This variant is considered to be rare based on population cohorts in the Genome Aggregation Database (gnomAD). This alteration is expected to result in loss of function by premature protein truncation or nonsense-mediated mRNA decay. As such, this alteration is interpreted as a disease-causing mutation.

Labcorp Genetics (formerly Invitae), Labcorp
Classification: Pathogenic for Hereditary nonpolyposis colorectal neoplasms. Last evaluated: 2025-03-17. Review status: criteria provided, single submitter. Criteria: Invitae Variant Classification Sherloc (09022015). Collection method: clinical testing. Allele origin: germline.
Comment: This sequence change creates a premature translational stop signal (p.Ser229Cysfs*19) in the PMS2 gene. It is expected to result in an absent or disrupted protein product. Loss-of-function variants in PMS2 are known to be pathogenic (PMID: 21376568, 24362816). This variant is present in population databases (rs746766787, gnomAD 0.0009%). This premature translational stop signal has been observed in individual(s) with Lynch syndrome-related cancer and homozygous in a patient with constitutional mismatch repair deficiency and constitutional mismatch repair deficiency (PMID: 25430799, 26544533). ClinVar contains an entry for this variant (Variation ID: 411063). For these reasons, this variant has been classified as Pathogenic.

Clinical Genetics Laboratory, Skane University Hospital Lund
Classification: Pathogenic. Last evaluated: 2022-05-27. Review status: criteria provided, single submitter. Criteria: ACMG Guidelines, 2015. Collection method: clinical testing. Allele origin: germline. Affected: yes.

Literature cited by the submitters: PubMed 25430799 (cited by Ambry Genetics and Labcorp Genetics (formerly Invitae), Labcorp); PubMed 26544533 (cited by Ambry Genetics and Labcorp Genetics (formerly Invitae), Labcorp); PubMed 21376568 (cited by Labcorp Genetics (formerly Invitae), Labcorp); PubMed 24362816 (cited by Labcorp Genetics (formerly Invitae), Labcorp).